The following is an entry in ClinVar:

ClinVar aggregate classification (germline): Likely pathogenic (1 of 4 stars; one submission).

Conditions:
Joubert syndrome 17 (JBTS17). Identifiers: Orphanet 475, MedGen C3553264, MONDO:0013824, OMIM 614615.
Orofaciodigital syndrome type 6 (OFD6). Also called: OFDS VI; POLYDACTYLY, CLEFT LIP/PALATE OR LINGUAL LUMP, AND PSYCHOMOTOR RETARDATION; Oral-facial-digital syndrome type 6; Central polydactyly cleft lip/palate or lingual lump and psychomotor retardation; Y-shaped central metacarpal and cerebellar defect; Joubert syndrome with orofacialdigital anomalies. Identifiers: Orphanet 2754, MedGen C2745997, MONDO:0010176, OMIM 277170.

Submission:

Fulgent Genetics
Classification: Likely pathogenic for Orofaciodigital syndrome type 6; Joubert syndrome 17. Last evaluated: 2021-06-30. Review status: criteria provided, single submitter. Criteria: ACMG Guidelines, 2015. Collection method: clinical testing. Allele origin: unknown.
Comment: This variant has been detected in individual(s) who were sent for testing of Renasight - kidney gene panel.

NM_001384732.1(CPLANE1):c.3053dup (p.Val1019fs)

Gene: CPLANE1 (ciliogenesis and planar polarity effector complex subunit 1; minus strand). Cytogenetic location: 5p13.2.
Variant type: Duplication.
Coding change: c.3053dup on transcript NM_001384732.1 (MANE Select); coding-DNA position 3053, one base duplicated (C; older notation c.3053dupC).
Protein change: p.Val1019fs; shifts the reading frame from valine 1019.
Molecular consequence: frameshift variant.
Genome position (GRCh38, 1-based): chr5:37,206,293, G duplicated on the plus strand (C on the coding strand, the reverse complement: CPLANE1 is on the minus strand). VCF-style (leftmost placement, unchanged base first): chr5-37206292-A-AG. GRCh37 (hg19) VCF-style: chr5-37206394-A-AG.
Other names: c.3053dup, p.Val1019fs (NM_023073.4); short protein forms V1019fs.
Identifiers: ClinVar variation 1179042 (VCV001179042.2), dbSNP rs2150128669, ClinGen allele CA2499217846.